The following is an entry in ClinVar:

NM_000246.4(CIITA):c.2591_2595del (p.Arg864fs)

Gene: CIITA (class II major histocompatibility complex transactivator; plus strand). Cytogenetic location: 16p13.13.
Variant type: Deletion.
Coding change: c.2591_2595del on transcript NM_000246.4 (MANE Select); coding-DNA positions 2591 to 2595, 5 bases deleted (GCAGC; older notation c.2591_2595delGCAGC).
Protein change: p.Arg864fs; shifts the reading frame from arginine 864.
Molecular consequence: frameshift variant. On other transcripts: intron variant (1).
Genome position (GRCh38, 1-based): chr16:10,908,083-10,908,087, GCAGC deleted; deleting any 5 consecutive bases within chr16:10,908,082-10,908,087 gives the same sequence; the c. name uses the placement nearest the transcript's 3' end. VCF-style (leftmost placement, unchanged base first): chr16-10908081-CCGCAG-C. GRCh37 (hg19) VCF-style: chr16-11001938-CCGCAG-C.
Other names: c.2594_2598del, p.Arg865fs (NM_001286402.1, NM_001379332.1); c.2447_2451del, p.Arg816fs (NM_001379330.1); c.2444_2448del, p.Arg815fs (NM_001379331.1); c.2591_2595del, p.Arg864fs (NM_001379333.1); c.2522_2526del, p.Arg841fs (NM_001379334.1); c.860-900_860-896del (NM_001286403.2); short protein forms R816fs, R815fs, R865fs, R841fs, R864fs.
Identifiers: ClinVar variation 2752777 (VCV002752777.3), dbSNP rs2544499425, ClinGen allele CA2697555654.

ClinVar aggregate classification (germline): Pathogenic (1 of 4 stars; one submission).

Conditions:
MHC class II deficiency. Also called: Bare lymphocyte syndrome 2; BLS, TYPE II. Identifiers: Orphanet 572, MedGen C5447452, MONDO:0008855.

Submission:

Labcorp Genetics (formerly Invitae), Labcorp
Classification: Pathogenic for MHC class II deficiency. Last evaluated: 2023-08-16. Review status: criteria provided, single submitter. Criteria: Invitae Variant Classification Sherloc (09022015). Collection method: clinical testing. Allele origin: germline.
Comment: For these reasons, this variant has been classified as Pathogenic. This variant has not been reported in the literature in individuals affected with CIITA-related conditions. This variant is not present in population databases (gnomAD no frequency). This sequence change creates a premature translational stop signal (p.Arg864Hisfs*131) in the CIITA gene. It is expected to result in an absent or disrupted protein product. Loss-of-function variants in CIITA are known to be pathogenic (PMID: 8402893, 9099848, 26271388).

Literature cited by the submitters: PubMed 8402893; PubMed 9099848; PubMed 26271388.